The following is an entry in ClinVar:

NM_001379200.1(TBX1):c.1046A>C (p.Glu349Ala)

Gene: TBX1 (T-box transcription factor 1; plus strand). Cytogenetic location: 22q11.21.
Variant type: single nucleotide variant.
Coding change: c.1046A>C on transcript NM_001379200.1 (MANE Select); coding-DNA position 1046, A replaced by C.
Protein change: p.Glu349Ala; replaces glutamic acid 349 with alanine.
Molecular consequence: missense variant. On other transcripts: intron variant (2).
Genome position (GRCh38, 1-based): chr22:19,766,398, A>C. VCF-style: chr22-19766398-A-C. GRCh37 (hg19) VCF-style: chr22-19753921-A-C.
Other names: c.1019A>C, p.Glu340Ala (NM_080647.1); c.1009+396A>C (NM_005992.1, NM_080646.2); short protein forms E340A, E349A.
Identifiers: ClinVar variation 2652868 (VCV002652868.24), dbSNP rs751917634, ClinGen allele CA410683978.

ClinVar aggregate classification (germline): Uncertain significance (1 of 4 stars; one submission).

Submission:

CeGaT Center for Human Genetics Tuebingen
Classification: Uncertain significance. Last evaluated: 2023-08-01. Review status: criteria provided, single submitter. Criteria: CeGaT Center For Human Genetics Tuebingen Variant Classification Criteria Version 2. Collection method: clinical testing. Allele origin: germline. Affected: yes. Observed: 1 variant allele.
Comment: TBX1: PM2